The following is an entry in ClinVar:

ClinVar aggregate classification (germline): Uncertain significance (1 of 4 stars; one submission).

Conditions:
Hereditary cancer-predisposing syndrome. Also called: Neoplastic Syndromes, Hereditary; Tumor predisposition; Hereditary neoplastic syndrome; Hereditary Cancer Syndrome. Identifiers: Orphanet 140162, MedGen C0027672, MeSH D009386, MONDO:0015356.

Submission:

Ambry Genetics
Classification: Uncertain significance for Hereditary cancer-predisposing syndrome. Last evaluated: 2026-06-23. Review status: criteria provided, single submitter. Criteria: Ambry Variant Classification Scheme 2023. Collection method: clinical testing. Allele origin: germline.
Comment: The c.665_667delCTC variant (also known as p.P222del) is located in coding exon 7 of the BRCA2 gene. This variant results from an in-frame CTC deletion at nucleotide positions 665 to 667. This results in the in-frame deletion of a proline at codon 222. This amino acid position is highly conserved in available vertebrate species. In addition, the in silico prediction for this variant is inconclusive (Choi Y et al. PLoS ONE. 2012; 7(10):e46688). Based on the available evidence, the clinical significance of this variant remains unclear.

NM_000059.4(BRCA2):c.665_667del (p.Pro222del)

Gene: BRCA2 (BRCA2 DNA repair associated; plus strand). Cytogenetic location: 13q13.1.
Variant type: Deletion.
Coding change: c.665_667del on transcript NM_000059.4 (MANE Select); coding-DNA positions 665 to 667, 3 bases deleted (CTC; older notation c.665_667delCTC).
Protein change: p.Pro222del; deletes proline 222.
Molecular consequence: non-coding transcript variant (on NR_176251.1).
Genome position (GRCh38, 1-based): chr13:32,329,476-32,329,478, CTC deleted; deleting any 3 consecutive bases within chr13:32,329,474-32,329,478 gives the same sequence; the c. name uses the placement nearest the transcript's 3' end. VCF-style (leftmost placement, unchanged base first): chr13-32329473-TTCC-T. GRCh37 (hg19) VCF-style: chr13-32903610-TTCC-T.
Other names: c.665_667del, p.Pro222del (NM_001406720.1, NM_001406721.1, NM_001432077.1 and 1 more transcripts); c.296_298del, p.Pro99del (NM_001406722.1); short protein forms P99del, P222del.
Identifiers: ClinVar variation 5033247 (VCV005033247.1).